The following is an entry in ClinVar:

NM_015978.3(TNNI3K):c.1751T>C (p.Ile584Thr)

Genes: TNNI3K (TNNI3 interacting kinase; plus strand), FPGT-TNNI3K (FPGT-TNNI3K readthrough; plus strand). Cytogenetic location: 1p31.1.
Variant type: single nucleotide variant.
Coding change: c.1751T>C on transcript NM_015978.3 (MANE Select); coding-DNA position 1751, T replaced by C.
Protein change: p.Ile584Thr; replaces isoleucine 584 with threonine.
Molecular consequence: missense variant.
Genome position (GRCh38, 1-based): chr1:74,370,371, T>C. VCF-style: chr1-74370371-T-C. GRCh37 (hg19) VCF-style: chr1-74836055-T-C.
Other names: c.2054T>C, p.Ile685Thr (NM_001112808.3, NM_001199327.2); short protein forms I685T, I584T.
Identifiers: ClinVar variation 2833477 (VCV002833477.3), dbSNP rs2524475914, ClinGen allele CA340786656.
Genomic context (GRCh38, chr1:74,370,371, plus strand): 5'-TAATTATTGCAGTAGATGTTGCCAAAGGCATGGAGTACCTTCACAACCTGACACAGCCAA[T>C]TATACATCGTGACTTGAACAGGTATTTTTTTCCTAAATAATGAACTCAGAAGGGTATGAC-3'
Protein context (NP_057062.1, residues 574-594): MEYLHNLTQP[Ile584Thr]IHRDLNSHNI

ClinVar aggregate classification (germline): Uncertain significance (1 of 4 stars; one submission).

Submission:

Labcorp Genetics (formerly Invitae), Labcorp
Classification: Uncertain significance. Last evaluated: 2023-02-01. Review status: criteria provided, single submitter. Criteria: Invitae Variant Classification Sherloc (09022015). Collection method: clinical testing. Allele origin: germline.
Comment: This sequence change replaces isoleucine, which is neutral and non-polar, with threonine, which is neutral and polar, at codon 584 of the TNNI3K protein (p.Ile584Thr). This variant is not present in population databases (gnomAD no frequency). This variant has not been reported in the literature in individuals affected with TNNI3K-related conditions. Algorithms developed to predict the effect of missense changes on protein structure and function (SIFT, PolyPhen-2, Align-GVGD) all suggest that this variant is likely to be disruptive. In summary, the available evidence is currently insufficient to determine the role of this variant in disease. Therefore, it has been classified as a Variant of Uncertain Significance.